The following is an entry in ClinVar:

ClinVar aggregate classification (germline): Uncertain significance. Review status: criteria provided, multiple submitters, no conflicts (2 of 4 stars). 2 submissions from 2 submitters: Uncertain significance (2). Last evaluated 2026-04-14.

Submissions (2):

GeneDx
Classification: Uncertain significance. Last evaluated: 2026-04-14. Review status: criteria provided, single submitter. Criteria: GeneDx Variant Classification Process June 2021. Collection method: clinical testing. Allele origin: germline.
Comment: Not observed at significant frequency in large population cohorts (gnomAD); In silico analysis suggests that this missense variant does not alter protein structure/function; Has not been previously published as pathogenic or benign to our knowledge

Blueprint Genetics
Classification: Uncertain significance. Last evaluated: 2021-12-10. Review status: criteria provided, single submitter. Criteria: ACMG Guidelines, 2015. Collection method: clinical testing. Allele origin: germline.

NM_001349338.3(FOXP1):c.524C>G (p.Ala175Gly)

Gene: FOXP1 (forkhead box P1; minus strand). Cytogenetic location: 3p13.
Variant type: single nucleotide variant.
Coding change: c.524C>G on transcript NM_001349338.3 (MANE Select); coding-DNA position 524, C replaced by G.
Protein change: p.Ala175Gly; replaces alanine 175 with glycine.
Molecular consequence: missense variant. On other transcripts: non-coding transcript variant (2).
Genome position (GRCh38, 1-based): chr3:71,047,082, G>C on the plus strand (C>G on the coding strand, the complement: FOXP1 is on the minus strand). VCF-style: chr3-71047082-G-C. GRCh37 (hg19) VCF-style: chr3-71096233-G-C.
Other names: c.524C>G, p.Ala175Gly (NM_001244808.3, NM_001244810.2, NM_001244814.3 and 3 more transcripts); c.296C>G, p.Ala99Gly (NM_001244812.3); c.224C>G, p.Ala75Gly (NM_001244813.3, NM_001244815.2, NM_001349342.3 and 1 more transcripts); c.221C>G, p.Ala74Gly (NM_001349337.2, NM_001349343.3, NM_001349344.3); c.521C>G, p.Ala174Gly (NM_001349341.3); c.524C>G (NM_032682.5); short protein forms A174G, A175G, A99G, A74G, A75G.
Identifiers: ClinVar variation 4963308 (VCV004963308.2).
Genomic context (GRCh38, chr3:71,047,082, plus strand): 5'-TGCTGCTGCTGTAACTGCTGCATCTGTAAAAGCTGCTGCTGAAAAGCCAACTGCTGGGTA[G>C]CCACCTGCTGTTGCTGTAAGAAATCAGGAAGAAAAAATGAGATGGCCACTTCCCAAGGAA-3'
Protein context (NP_001336267.1, residues 165-185): GKQPKEQQQV[Ala175Gly]TQQLAFQQQL